The following is an entry in ClinVar:

NM_000812.4(GABRB1):c.1075G>A (p.Val359Ile)

Gene: GABRB1 (gamma-aminobutyric acid type A receptor subunit beta1; plus strand). Cytogenetic location: 4p12.
Variant type: single nucleotide variant.
Coding change: c.1075G>A on transcript NM_000812.4 (MANE Select); coding-DNA position 1075, G replaced by A.
Protein change: p.Val359Ile; replaces valine 359 with isoleucine.
Molecular consequence: missense variant.
Genome position (GRCh38, 1-based): chr4:47,406,921, G>A. VCF-style: chr4-47406921-G-A. GRCh37 (hg19) VCF-style: chr4-47408938-G-A.
Other names: short protein forms V359I.
Identifiers: ClinVar variation 2580841 (VCV002580841.1), dbSNP rs1157059883, ClinGen allele CA356812044.
Genomic context (GRCh38, chr4:47,406,921, plus strand): 5'-AAGGGAGCTAGCAAACAAGACCAGAGTGCCAATGAGAAGAATAAACTGGAGATGAATAAA[G>A]TCCAGGTAAGATATTAAATATTCCTAACAATATTCTTGTTAAATTTATCAGCATCATGAT-3'
Protein context (NP_000803.2, residues 349-369): NEKNKLEMNK[Val359Ile]QVDAHGNILL

ClinVar aggregate classification (germline): Uncertain significance (1 of 4 stars; one submission).

Submission:

GeneDx
Classification: Uncertain significance. Last evaluated: 2023-03-07. Review status: criteria provided, single submitter. Criteria: GeneDx Variant Classification Process June 2021. Collection method: clinical testing. Allele origin: germline. Affected: yes.
Comment: Not observed at significant frequency in large population cohorts (gnomAD); In silico analysis supports that this missense variant does not alter protein structure/function; This variant is associated with the following publications: (PMID: 36842888)